The following is an entry in ClinVar:

ClinVar aggregate classification (germline): Likely benign. Review status: criteria provided, multiple submitters, no conflicts (2 of 4 stars). 5 submissions from 5 submitters: Likely benign (4). 1 of the submissions does not count toward it. Last evaluated 2026-01-05.

Conditions:
TBCK-related disorder. Also called: TBCK-related disorders; TBCK-related condition.
Inborn genetic diseases. Identifiers: MedGen C0950123, MeSH D030342.

Allele frequency attached by ClinVar (database versions not stated): gnomAD exomes 0.00021 and 0.00042; ExAC 0.00053; 1000 Genomes Project 30x 0.00094; 1000 Genomes Project 0.00100; gnomAD 0.00119 and 0.00128; TOPMed 0.00144; ESP Exome Variant Server 0.00154.
gnomAD v4.1: 509 of 1,582,890 alleles (0.032%); highest among the groups gnomAD compares: African/African-American, 0.43%; 2 homozygotes.

Submissions (6):

Labcorp Genetics (formerly Invitae), Labcorp
Classification: Likely benign. Last evaluated: 2026-01-05. Review status: criteria provided, single submitter. Criteria: Invitae Variant Classification Sherloc (09022015). Collection method: clinical testing. Allele origin: germline.

Ambry Genetics
Classification: Likely benign for Inborn genetic diseases. Last evaluated: 2025-07-15. Review status: criteria provided, single submitter. Criteria: Ambry Variant Classification Scheme 2023. Collection method: clinical testing. Allele origin: germline.

Blueprint Genetics
Classification: Likely benign. Last evaluated: 2024-09-13. Review status: criteria provided, single submitter. Criteria: ACMG Guidelines, 2015. Collection method: clinical testing. Allele origin: germline.

Breakthrough Genomics
Classification: Likely benign. Review status: criteria provided, single submitter. Criteria: ACMG Guidelines, 2015. Collection method: not provided. Allele origin: germline. Inheritance: Autosomal recessive inheritance. Affected: yes.

PreventionGenetics, part of Exact Sciences
Classification: Likely benign for TBCK-related condition. Last evaluated: 2022-07-28. Review status: no assertion criteria provided. Collection method: clinical testing. Allele origin: germline. Not counted in ClinVar's aggregate classification.
Comment: This variant is classified as likely benign based on ACMG/AMP sequence variant interpretation guidelines (Richards et al. 2015 PMID: 25741868, with internal and published modifications).

Dr. Peter K. Rogan Lab, Western University
No classification provided (evidence only). Condition: Uterine carcinosarcoma. Review status: no classification provided. Collection method: in vitro. Allele origin: not applicable. Functional consequence: retained intron. Not counted in ClinVar's aggregate classification.

NM_001163435.3(TBCK):c.941A>G (p.Asn314Ser)

Gene: TBCK (TBC1 domain containing kinase; minus strand). Cytogenetic location: 4q24.
Variant type: single nucleotide variant.
Coding change: c.941A>G on transcript NM_001163435.3 (MANE Select); coding-DNA position 941, A replaced by G.
Protein change: p.Asn314Ser; replaces asparagine 314 with serine.
Molecular consequence: missense variant.
Genome position (GRCh38, 1-based): chr4:106,244,755, T>C on the plus strand (A>G on the coding strand, the complement: TBCK is on the minus strand). VCF-style: chr4-106244755-T-C. GRCh37 (hg19) VCF-style: chr4-107165912-T-C.
Other names: c.941A>G, p.Asn314Ser (NM_001163436.4); c.824A>G, p.Asn275Ser (NM_001163437.3); c.425A>G, p.Asn142Ser (NM_001290768.2); c.752A>G, p.Asn251Ser (NM_033115.5); c.941A>G (NM_001163435.2, NM_001163435.1); short protein forms N251S, N275S, N314S, N142S.
Identifiers: ClinVar variation 1416228 (VCV001416228.14), dbSNP rs146794366, ClinGen allele CA3035229.